The following is an entry in ClinVar:

NM_004655.4(AXIN2):c.1513T>G (p.Phe505Val)

Gene: AXIN2 (axin 2; minus strand). Cytogenetic location: 17q24.1.
Variant type: single nucleotide variant.
Coding change: c.1513T>G on transcript NM_004655.4 (MANE Select); coding-DNA position 1513, T replaced by G.
Protein change: p.Phe505Val; replaces phenylalanine 505 with valine.
Molecular consequence: missense variant.
Genome position (GRCh38, 1-based): chr17:65,537,523, A>C on the plus strand (T>G on the coding strand, the complement: AXIN2 is on the minus strand). VCF-style: chr17-65537523-A-C. GRCh37 (hg19) VCF-style: chr17-63533641-A-C.
Other names: c.1513T>G, p.Phe505Val (NM_001363813.1); short protein forms F505V.
Identifiers: ClinVar variation 1774275 (VCV001774275.2), dbSNP rs2144460604, ClinGen allele CA400677362.
Genomic context (GRCh38, chr17:65,537,523, plus strand): 5'-GGACGGCATGGTGGTGGATGTAGTGGTGGTGGACATGCTTCGTCGTCTGCTTGGTCACAA[A>C]GCCTTTGCCCCCGAGGAGGGGGCAGGCGCCCGGCGAGGCGGCCGCGGGAGGCAGCTTGCC-3'
Protein context (NP_004646.3, residues 495-515): GACPLLGGKG[Phe505Val]VTKQTTKHVH

ClinVar aggregate classification (germline): Uncertain significance (1 of 4 stars; one submission).

Conditions:
Hereditary cancer-predisposing syndrome. Also called: Hereditary Cancer Syndrome; Hereditary neoplastic syndrome; Neoplastic Syndromes, Hereditary; Tumor predisposition. Identifiers: Orphanet 140162, MedGen C0027672, MeSH D009386, MONDO:0015356.

Submission:

Ambry Genetics
Classification: Uncertain significance for Hereditary cancer-predisposing syndrome. Last evaluated: 2021-12-11. Review status: criteria provided, single submitter. Criteria: Ambry Variant Classification Scheme 2023. Collection method: clinical testing. Allele origin: germline.
Comment: The p.F505V variant (also known as c.1513T>G), located in coding exon 5 of the AXIN2 gene, results from a T to G substitution at nucleotide position 1513. The phenylalanine at codon 505 is replaced by valine, an amino acid with highly similar properties. This amino acid position is conserved. In addition, this alteration is predicted to be tolerated by in silico analysis. Since supporting evidence is limited at this time, the clinical significance of this alteration remains unclear.